The following is an entry in ClinVar:

NM_000218.3(KCNQ1):c.679A>C (p.Ile227Leu)

Gene: KCNQ1 (potassium voltage-gated channel subfamily Q member 1; plus strand). Cytogenetic location: 11p15.5.
Variant type: single nucleotide variant.
Coding change: c.679A>C on transcript NM_000218.3 (MANE Select); coding-DNA position 679, A replaced by C.
Protein change: p.Ile227Leu; replaces isoleucine 227 with leucine.
Molecular consequence: missense variant.
Genome position (GRCh38, 1-based): chr11:2,571,399, A>C. VCF-style: chr11-2571399-A-C. GRCh37 (hg19) VCF-style: chr11-2592629-A-C.
Other names: p.I227L:ATC>CTC; c.679A>C, p.Ile227Leu (NM_001406836.1); c.409A>C, p.Ile137Leu (NM_001406837.1); c.298A>C, p.Ile100Leu (NM_181798.2); short protein forms I100L, I227L, I137L.
Identifiers: ClinVar variation 200819 (VCV000200819.5), dbSNP rs794728511, ClinGen allele CA007887.
Genomic context (GRCh38, chr11:2,571,399, plus strand): 5'-GTGGCCTCCATGGTGGTCCTCTGCGTGGGCTCCAAGGGGCAGGTGTTTGCCACGTCGGCC[A>C]TCAGGTGCGTCTGTGCCACAAGCTCCCCCCGCCATGCCGCCCCACCCCGAGCACCCCTCC-3'
Protein context (NP_000209.2, residues 217-237): SKGQVFATSA[Ile227Leu]RGIRFLQILR

ClinVar aggregate classification (germline): Conflicting classifications of pathogenicity. Review status: criteria provided, conflicting classifications (1 of 4 stars). 2 submissions from 2 submitters: Likely pathogenic (1); Uncertain significance (1). Last evaluated 2023-01-24.

gnomAD v4.1: 1 of 1,610,846 alleles (0.000062%); highest among the groups gnomAD compares: Non-Finnish European, 0.000085%; no homozygotes.

Submissions (2):

Blueprint Genetics
Classification: Uncertain significance. Last evaluated: 2023-01-24. Review status: criteria provided, single submitter. Criteria: ACMG Guidelines, 2015. Collection method: clinical testing. Allele origin: germline.

GeneDx
Classification: Likely pathogenic. Last evaluated: 2012-08-10. Review status: criteria provided, single submitter. Criteria: GeneDx Variant Classification (06012015). Collection method: clinical testing. Allele origin: germline. Affected: yes.
Comment: p.Ile227Leu (ATC>CTC): c.679 A>C in exon 4 of the KCNQ1 gene (NM_000218.2). The Ile227Leu variant in the KCNQ1 gene has not been reported as a disease-causing mutation or as a benign polymorphism to our knowledge. Although Ile227Leu results in a conservative amino acid substitution of one non-polar amino acid with another, the Ile227 position is conserved across species. Mutations in nearby residues (Thr224Met, Ser225Leu, Ala226Val, Gly229Asp) have been reported in association with LQTS, further supporting the functional importance of this region of the protein. Furthermore, the NHLBI ESP Exome Variant Server reports Ile227Leu was not observed in approximately 5,000 samples from individuals of European and African American backgrounds, indicating it is not a common benign variant in these populations. In summary, while Ile227Leu is a good candidate for a disease-causing mutation, with the clinical and molecular information available at this time we cannot unequivocally determine the clinical significance of this variant. The variant is found in LQT panel(s).